The following is an entry in ClinVar:

NM_003859.3(DPM1):c.337T>A (p.Tyr113Asn)

Gene: DPM1 (dolichyl-phosphate mannosyltransferase subunit 1, catalytic; minus strand). Cytogenetic location: 20q13.13.
Variant type: single nucleotide variant.
Coding change: c.337T>A on transcript NM_003859.3 (MANE Select); coding-DNA position 337, T replaced by A.
Protein change: p.Tyr113Asn; replaces tyrosine 113 with asparagine.
Molecular consequence: missense variant. On other transcripts: non-coding transcript variant (1).
Genome position (GRCh38, 1-based): chr20:50,945,882, A>T on the plus strand (T>A on the coding strand, the complement: DPM1 is on the minus strand). VCF-style: chr20-50945882-A-T. GRCh37 (hg19) VCF-style: chr20-49562419-A-T.
Other names: c.337T>A, p.Tyr113Asn (NM_001317034.1, NM_001317035.1, NM_001317036.1); short protein forms Y113N.
Identifiers: ClinVar variation 1508027 (VCV001508027.6), dbSNP rs2123115865, ClinGen allele CA408989718.
Genomic context (GRCh38, chr20:50,945,882, plus strand): 5'-GCTAATAAAGAAACATACCACTTACATGGTGTGAGAGATCAGCATCCATAATAATGATGT[A>T]GTTTCCTGTGGCATGTTTCATTCCATGAATATATGCAGTTCCTAAAAATGAAAGTAGATC-3'
Protein context (NP_003850.1, residues 103-123): IHGMKHATGN[Tyr113Asn]IIIMDADLSH

ClinVar aggregate classification (germline): Uncertain significance (1 of 4 stars; one submission).

Conditions:
Congenital disorder of glycosylation type 1E (CDG1E). Also called: CDG Ie; CONGENITAL DISORDER OF GLYCOSYLATION, TYPE Ie. Identifiers: Orphanet 79322, MedGen C1837396, MONDO:0012123, OMIM 608799.

gnomAD v4.1: 1 of 1,613,672 alleles (0.000062%); no homozygotes.

Submission:

Labcorp Genetics (formerly Invitae), Labcorp
Classification: Uncertain significance for Congenital disorder of glycosylation type 1E. Last evaluated: 2024-03-11. Review status: criteria provided, single submitter. Criteria: Invitae Variant Classification Sherloc (09022015). Collection method: clinical testing. Allele origin: germline.
Comment: This sequence change replaces tyrosine, which is neutral and polar, with asparagine, which is neutral and polar, at codon 113 of the DPM1 protein (p.Tyr113Asn). This variant is not present in population databases (gnomAD no frequency). This variant has not been reported in the literature in individuals affected with DPM1-related conditions. ClinVar contains an entry for this variant (Variation ID: 1508027). An algorithm developed to predict the effect of missense changes on protein structure and function (PolyPhen-2) suggests that this variant is likely to be disruptive. In summary, the available evidence is currently insufficient to determine the role of this variant in disease. Therefore, it has been classified as a Variant of Uncertain Significance.